The following is an entry in ClinVar:

NM_020987.5(ANK3):c.12596-499G>T

Gene: ANK3 (ankyrin 3; minus strand). Cytogenetic location: 10q21.2.
Variant type: single nucleotide variant.
Coding change: c.12596-499G>T on transcript NM_020987.5 (MANE Select); 499 bases into the intron before coding-DNA position 12596, G replaced by T.
Molecular consequence: intron variant. On other transcripts: missense variant (4).
Genome position (GRCh38, 1-based): chr10:60,059,929, C>A on the plus strand (G>T on the coding strand, the complement: ANK3 is on the minus strand). VCF-style: chr10-60059929-C-A. GRCh37 (hg19) VCF-style: chr10-61819687-C-A.
Other names: c.2236G>T, p.Asp746Tyr (NM_001149.4); c.4816G>T, p.Asp1606Tyr (NM_001204403.2); c.4837G>T, p.Asp1613Tyr (NM_001204404.2); c.4834G>T, p.Asp1612Tyr (NM_001320874.2); short protein forms D1606Y, D1612Y, D1613Y, D746Y.
Identifiers: ClinVar variation 4822511 (VCV004822511.4).

ClinVar aggregate classification (germline): Uncertain significance (1 of 4 stars; one submission).

gnomAD v4.1: 2 of 1,614,048 alleles (0.00012%); no homozygotes.

Submission:

CeGaT Center for Human Genetics Tuebingen
Classification: Uncertain significance. Last evaluated: 2026-02-01. Review status: criteria provided, single submitter. Criteria: CeGaT Center For Human Genetics Tuebingen Variant Classification Criteria Version 2. Collection method: clinical testing. Allele origin: germline. Affected: yes. Observed: 1 variant allele.
Comment: ANK3: PM2, BP4